The following is an entry in ClinVar:

ClinVar aggregate classification (germline): Uncertain significance (1 of 4 stars; one submission).

Allele frequency attached by ClinVar (database versions not stated): gnomAD exomes below 0.00001 and 0.00002; ExAC 0.00001; gnomAD 0.00001; TOPMed 0.00001.
gnomAD v4.1: 38 of 1,613,024 alleles (0.0024%); highest among the groups gnomAD compares: Non-Finnish European, 0.0031%; no homozygotes.

Submission:

Labcorp Genetics (formerly Invitae), Labcorp
Classification: Uncertain significance. Last evaluated: 2023-10-03. Review status: criteria provided, single submitter. Criteria: Invitae Variant Classification Sherloc (09022015). Collection method: clinical testing. Allele origin: germline.
Comment: This sequence change replaces valine, which is neutral and non-polar, with methionine, which is neutral and non-polar, at codon 1094 of the TUBGCP6 protein (p.Val1094Met). The frequency data for this variant in the population databases is considered unreliable, as metrics indicate poor data quality at this position in the gnomAD database. This variant has not been reported in the literature in individuals affected with TUBGCP6-related conditions. ClinVar contains an entry for this variant (Variation ID: 1390983). Algorithms developed to predict the effect of missense changes on protein structure and function output the following: SIFT: "Not Available"; PolyPhen-2: "Benign"; Align-GVGD: "Not Available". The methionine amino acid residue is found in multiple mammalian species, which suggests that this missense change does not adversely affect protein function. In summary, the available evidence is currently insufficient to determine the role of this variant in disease. Therefore, it has been classified as a Variant of Uncertain Significance.

NM_020461.4(TUBGCP6):c.3280G>A (p.Val1094Met)

Gene: TUBGCP6 (tubulin gamma complex component 6; minus strand). Cytogenetic location: 22q13.33.
Variant type: single nucleotide variant.
Coding change: c.3280G>A on transcript NM_020461.4 (MANE Select); coding-DNA position 3280, G replaced by A.
Protein change: p.Val1094Met; replaces valine 1094 with methionine.
Molecular consequence: missense variant.
Genome position (GRCh38, 1-based): chr22:50,221,079, C>T on the plus strand (G>A on the coding strand, the complement: TUBGCP6 is on the minus strand). VCF-style: chr22-50221079-C-T. GRCh37 (hg19) VCF-style: chr22-50659508-C-T.
Other names: short protein forms V1094M.
Identifiers: ClinVar variation 1390983 (VCV001390983.6), dbSNP rs760600294, ClinGen allele CA10308001.